The following is an entry in ClinVar:

NM_001372078.1(REV3L):c.6628C>T (p.Leu2210=)

Gene: REV3L (REV3 like, DNA directed polymerase zeta catalytic subunit; minus strand). Cytogenetic location: 6q21.
Variant type: single nucleotide variant.
Coding change: c.6628C>T on transcript NM_001372078.1 (MANE Select); coding-DNA position 6628, C replaced by T.
Protein change: p.Leu2210=; no amino-acid change (leucine 2210 retained).
Molecular consequence: synonymous variant.
Genome position (GRCh38, 1-based): chr6:111,367,160, G>A on the plus strand (C>T on the coding strand, the complement: REV3L is on the minus strand). VCF-style: chr6-111367160-G-A. GRCh37 (hg19) VCF-style: chr6-111688363-G-A.
Other names: c.6394C>T, p.Leu2132= (NM_001286431.2, NM_001286432.2); c.6628C>T, p.Leu2210= (NM_002912.5).
Identifiers: ClinVar variation 752004 (VCV000752004.5), dbSNP rs143594993, ClinGen allele CA3961671.

ClinVar aggregate classification (germline): Benign. Review status: criteria provided, single submitter (1 of 4 stars). 2 submissions from 2 submitters: Benign (1). 1 of the submissions does not count toward it. Last evaluated 2018-07-15.

Conditions:
REV3L-related disorder. Also called: REV3L-related condition.

Allele frequency attached by ClinVar (database versions not stated): gnomAD exomes 0.00002 and 0.00011; ExAC 0.00014; gnomAD 0.00035 and 0.00036; ESP Exome Variant Server 0.00038; TOPMed 0.00039; 1000 Genomes Project 0.00080; 1000 Genomes Project 30x 0.00109.
gnomAD v4.1: 91 of 1,608,440 alleles (0.0057%); highest among the groups gnomAD compares: African/African-American, 0.11%; no homozygotes.

Submissions (2):

Labcorp Genetics (formerly Invitae), Labcorp
Classification: Benign. Last evaluated: 2018-07-15. Review status: criteria provided, single submitter. Criteria: Invitae Variant Classification Sherloc (09022015). Collection method: clinical testing. Allele origin: germline.

PreventionGenetics, part of Exact Sciences
Classification: Likely benign for REV3L-related condition. Last evaluated: 2019-04-02. Review status: no assertion criteria provided. Collection method: clinical testing. Allele origin: germline. Not counted in ClinVar's aggregate classification.
Comment: This variant is classified as likely benign based on ACMG/AMP sequence variant interpretation guidelines (Richards et al. 2015 PMID: 25741868, with internal and published modifications).